The following is an entry in ClinVar:

ClinVar aggregate classification (germline): Conflicting classifications of pathogenicity. Review status: criteria provided, conflicting classifications (1 of 4 stars). 3 submissions from 3 submitters: Uncertain significance (1); Likely benign (1). 1 of the submissions does not count toward it. Last evaluated 2024-03-14.

Conditions:
ENPP1-related disorder. Also called: ENPP1-related disorders; ENPP1-related condition.

Allele frequency attached by ClinVar (database versions not stated): gnomAD exomes 0.00019 and 0.00043; ExAC 0.00088; gnomAD 0.00359 and 0.00389.

Submissions (3):

Blueprint Genetics
Classification: Likely benign. Last evaluated: 2024-03-14. Review status: criteria provided, single submitter. Criteria: ACMG Guidelines, 2015. Collection method: clinical testing. Allele origin: germline.

Eurofins Ntd Llc (ga)
Classification: Uncertain significance. Last evaluated: 2017-02-10. Review status: criteria provided, single submitter. Criteria: EGL Classification Definitions 2015. Collection method: clinical testing. Allele origin: germline. Observed: 2 variant alleles, 1 heterozygote.

PreventionGenetics, part of Exact Sciences
Classification: Likely benign for ENPP1-related condition. Last evaluated: 2024-07-24. Review status: no assertion criteria provided. Collection method: clinical testing. Allele origin: germline. Not counted in ClinVar's aggregate classification.
Comment: This variant is classified as likely benign based on ACMG/AMP sequence variant interpretation guidelines (Richards et al. 2015 PMID: 25741868, with internal and published modifications).

NM_006208.3(ENPP1):c.313+10del

Gene: ENPP1 (ectonucleotide pyrophosphatase/phosphodiesterase 1; plus strand). Cytogenetic location: 6q23.2.
Variant type: Deletion.
Coding change: c.313+10del on transcript NM_006208.3 (MANE Select); 10 bases into the intron after coding-DNA position 313, one base deleted (T; older notation c.313+10delT).
Molecular consequence: intron variant.
Genome position (GRCh38, 1-based): chr6:131,847,858, T deleted. VCF-style (leftmost placement, unchanged base first): chr6-131847857-GT-G. GRCh37 (hg19) VCF-style: chr6-132168997-GT-G.
Other names: c.313+10delT (NM_006208.2).
Identifiers: ClinVar variation 195260 (VCV000195260.8), dbSNP rs778260177, ClinGen allele CA241608.
Genomic context (GRCh38, chr6:131,847,857, plus strand): 5'-ACAACAATACTTGGTTGTATATTTGGGTTGAAACCAAGCTGTGCCAAAGAAGGTAATTAG[GT>G]GTGTGTGTGTGTGTGTGTGTGTGTGTGTGTGTGTGTATGTGTGTGCACAGCCTTATTAAG-3'